The following is an entry in ClinVar:

NM_000390.4(CHM):c.1021A>G (p.Ile341Val)

Gene: CHM (CHM Rab escort protein; minus strand). Cytogenetic location: Xq21.2.
Variant type: single nucleotide variant.
Coding change: c.1021A>G on transcript NM_000390.4 (MANE Select); coding-DNA position 1021, A replaced by G.
Protein change: p.Ile341Val; replaces isoleucine 341 with valine.
Molecular consequence: missense variant.
Genome position (GRCh38, 1-based): chrX:85,956,298, T>C on the plus strand (A>G on the coding strand, the complement: CHM is on the minus strand). VCF-style: chrX-85956298-T-C. GRCh37 (hg19) VCF-style: chrX-85211303-T-C.
Other names: c.577A>G, p.Ile193Val (NM_001320959.1, NM_001362517.1, NM_001362518.2 and 1 more transcripts); short protein forms I341V, I193V.
Identifiers: ClinVar variation 1522323 (VCV001522323.8), dbSNP rs766977263, ClinGen allele CA10465477.
Genomic context (GRCh38, chrX:85,956,298, plus strand): 5'-AGTTTTTGGTAGCTTTGAGACCATCTATGGTGCTGCTGGCTGTCTCTGATGTCATTGCAA[T>C]TGAATGCATGACAATATATTGGAGGTTGGGGGTTAATTTTTGAGTCTTTAAATATTCATA-3'
Protein context (NP_000381.1, residues 331-351): PNLQYIVMHS[Ile341Val]AMTSETASST

ClinVar aggregate classification (germline): Uncertain significance (1 of 4 stars; one submission).

Allele frequency attached by ClinVar (database versions not stated): ExAC 0.00001; gnomAD exomes 0.00001 and 0.00002; TOPMed 0.00001.
gnomAD v4.1: 6 of 1,211,619 alleles (0.0005%); highest among the groups gnomAD compares: Admixed American, 0.0065%; no homozygotes.

Submission:

Labcorp Genetics (formerly Invitae), Labcorp
Classification: Uncertain significance. Last evaluated: 2024-03-03. Review status: criteria provided, single submitter. Criteria: Invitae Variant Classification Sherloc (09022015). Collection method: clinical testing. Allele origin: germline.
Comment: This sequence change replaces isoleucine, which is neutral and non-polar, with valine, which is neutral and non-polar, at codon 341 of the CHM protein (p.Ile341Val). This variant is present in population databases (rs766977263, gnomAD 0.02%). This variant has not been reported in the literature in individuals affected with CHM-related conditions. ClinVar contains an entry for this variant (Variation ID: 1522323). Advanced modeling of protein sequence and biophysical properties (such as structural, functional, and spatial information, amino acid conservation, physicochemical variation, residue mobility, and thermodynamic stability) performed at Invitae indicates that this missense variant is not expected to disrupt CHM protein function with a negative predictive value of 80%. In summary, the available evidence is currently insufficient to determine the role of this variant in disease. Therefore, it has been classified as a Variant of Uncertain Significance.